The following is an entry in ClinVar:

NM_000038.6(APC):c.422+1575T>G

Gene: APC (APC regulator of WNT signaling pathway; plus strand). Cytogenetic location: 5q22.2.
Variant type: single nucleotide variant.
Coding change: c.422+1575T>G on transcript NM_000038.6 (MANE Select); 1575 bases into the intron after coding-DNA position 422, T replaced by G.
Molecular consequence: intron variant.
Genome position (GRCh38, 1-based): chr5:112,768,965, T>G. VCF-style: chr5-112768965-T-G. GRCh37 (hg19) VCF-style: chr5-112104662-T-G.
Other names: c.422+1575T>G (NM_001354895.2, NM_001127510.3, NM_001354896.2 and 2 more transcripts); c.452+1575T>G (NM_001354897.2, NM_001354902.2, NM_001127511.3); c.347+1575T>G (NM_001354898.2, NM_001354904.2); c.-614+1575T>G (NM_001354906.2); c.245+1575T>G (NM_001354900.2, NM_001354901.2, NM_001354905.2).
Identifiers: ClinVar variation 82410 (VCV000082410.2), dbSNP rs79896273, ClinGen allele CA009019.

ClinVar aggregate classification (germline): other (0 of 4 stars; one submission).

Conditions:
Familial colorectal cancer. Identifiers: MedGen CN280943, MONDO:0023113. Disease mechanism: loss of function.

Submission:

Systems Biology Platform Zhejiang California International NanoSystems Institute
Classification: other for Familial colorectal cancer. Review status: no assertion criteria provided. Collection method: not provided. Allele origin: unknown.
ClinVar note: Converted during submission from cancer to other.